The following is an entry in ClinVar:

ClinVar aggregate classification (germline): Conflicting classifications of pathogenicity. Review status: criteria provided, conflicting classifications (1 of 4 stars). 7 submissions from 7 submitters: Uncertain significance (4); Likely benign (2). 1 of the submissions does not count toward it. Last evaluated 2026-02-03.

Conditions:
CHRNB2-related disorder. Also called: CHRNB2-related condition.
Familial sleep-related hypermotor epilepsy. Also called: Autosomal Dominant Sleep-Related Hypermotor (Hyperkinetic) Epilepsy. Identifiers: Orphanet 98784, MedGen C3696898, MONDO:0000030.
Inborn genetic diseases. Identifiers: MedGen C0950123, MeSH D030342.
Autosomal dominant nocturnal frontal lobe epilepsy 3. Also called: CHRNB2-Related Nocturnal Frontal Lobe Epilepsy, Autosomal Dominant. Identifiers: Orphanet 98784, MedGen C1854335, MONDO:0011545, OMIM 605375.
Intellectual disability. Also called: Intellectual developmental disorder; Intellectual functioning disability; intellectual disabilities. Identifiers: MedGen C3714756, MeSH D008607, MONDO:0001071, HP:0001249.

Allele frequency attached by ClinVar (database versions not stated): ESP Exome Variant Server 0.00008; gnomAD 0.00009 and 0.00010; ExAC 0.00010; TOPMed 0.00010.
gnomAD v4.1: 167 of 1,603,764 alleles (0.01%); highest among the groups gnomAD compares: Non-Finnish European, 0.014%; no homozygotes.

Submissions (7):

Labcorp Genetics (formerly Invitae), Labcorp
Classification: Uncertain significance. Last evaluated: 2026-02-03. Review status: criteria provided, single submitter. Criteria: Invitae Variant Classification Sherloc (09022015). Collection method: clinical testing. Allele origin: germline.
Comment: This sequence change replaces methionine, which is neutral and non-polar, with threonine, which is neutral and polar, at codon 349 of the CHRNB2 protein (p.Met349Thr). This variant is present in population databases (rs141735618, gnomAD 0.02%). This variant has not been reported in the literature in individuals affected with CHRNB2-related conditions. ClinVar contains an entry for this variant (Variation ID: 197695). Invitae Evidence Modeling of protein sequence and biophysical properties (such as structural, functional, and spatial information, amino acid conservation, physicochemical variation, residue mobility, and thermodynamic stability) has been performed for this missense variant. However, the output from this modeling did not meet the statistical confidence thresholds required to predict the impact of this variant on CHRNB2 protein function. In summary, the available evidence is currently insufficient to determine the role of this variant in disease. Therefore, it has been classified as a Variant of Uncertain Significance.

CeGaT Center for Human Genetics Tuebingen
Classification: Likely benign. Last evaluated: 2026-01-01. Review status: criteria provided, single submitter. Criteria: CeGaT Center For Human Genetics Tuebingen Variant Classification Criteria Version 2. Collection method: clinical testing. Allele origin: germline. Affected: yes. Observed: 2 variant alleles.
Comment: CHRNB2: PP3, BP5, BS1

PreventionGenetics, part of Exact Sciences
Classification: Uncertain significance for CHRNB2-related condition. Last evaluated: 2023-04-24. Review status: criteria provided, single submitter. Criteria: ACMG Guidelines, 2015. Collection method: clinical testing. Allele origin: germline.
Comment: The CHRNB2 c.1046T>C variant is predicted to result in the amino acid substitution p.Met349Thr. To our knowledge, this variant has not been reported in the literature. This variant is reported in 0.020% of alleles in individuals of European (Non-Finnish) descent in gnomAD. At this time, the clinical significance of this variant is uncertain due to the absence of conclusive functional and genetic evidence.

Ambry Genetics
Classification: Likely benign for Inborn genetic diseases. Last evaluated: 2018-08-21. Review status: criteria provided, single submitter. Criteria: Ambry Variant Classification Scheme 2023. Collection method: clinical testing. Allele origin: germline.

GeneDx
Classification: Uncertain significance. Last evaluated: 2016-08-01. Review status: criteria provided, single submitter. Criteria: GeneDx Variant Classification (06012015). Collection method: clinical testing. Allele origin: germline. Affected: yes.
Comment: A variant of uncertain significance has been identified in the CHRNB2 gene. The M349T variant has not been published as a pathogenic variant, nor has it been reported as a benign variant to our knowledge. The M349T variant was not observed with any significant frequency in approximately 6,500 individuals of European and African American ancestry in the NHLBI Exome Sequencing Project. The M349T variant is a non-conservative amino acid substitution, which is likely to impact secondary protein structure as these residues differ in polarity, charge, size and/or other properties. In silico analysis predicts this variant is probably damaging to the protein structure/function. However, this substitution occurs at a position where amino acids with similar properties to Methionine are tolerated across species. Furthermore, this amino acid substitution is not predicted to occur within the transmembrane region of the protein, where the vast majority of pathogenic missense variants have been identified in association with epilepsy (Steinlein et al., 2010). Therefore, based on the currently available information, it is unclear whether this variant is a pathogenic variant or a rare benign variant.

Eurofins Ntd Llc (ga)
Classification: Uncertain significance. Last evaluated: 2014-06-24. Review status: criteria provided, single submitter. Criteria: EGL Classification Definitions 2015. Collection method: clinical testing. Allele origin: germline. Observed: 2 variant alleles, 2 heterozygotes.

Centre de Biologie Pathologie Génétique, Centre Hospitalier Universitaire de Lille
Classification: Likely benign for Intellectual disability. Last evaluated: 2019-01-01. Review status: no assertion criteria provided. Collection method: clinical testing. Allele origin: inherited. Affected: yes. Not counted in ClinVar's aggregate classification.

NM_000748.3(CHRNB2):c.1046T>C (p.Met349Thr)

Gene: CHRNB2 (cholinergic receptor nicotinic beta 2 subunit; plus strand). Cytogenetic location: 1q21.3.
Variant type: single nucleotide variant.
Coding change: c.1046T>C on transcript NM_000748.3 (MANE Select); coding-DNA position 1046, T replaced by C.
Protein change: p.Met349Thr; replaces methionine 349 with threonine.
Molecular consequence: missense variant.
Genome position (GRCh38, 1-based): chr1:154,571,869, T>C. VCF-style: chr1-154571869-T-C. GRCh37 (hg19) VCF-style: chr1-154544345-T-C.
Other names: short protein forms M349T.
Identifiers: ClinVar variation 197695 (VCV000197695.40), dbSNP rs141735618, ClinGen allele CA245975.